The following is an entry in ClinVar:

ClinVar aggregate classification (germline): Uncertain significance (1 of 4 stars; one submission).

Conditions:
Symmetrical dyschromatosis of extremities (DSH). Also called: Dyschromatosis symmetrica hereditaria; RETICULATE ACROPIGMENTATION OF DOHI; SYMMETRIC DYSCHROMATOSIS OF THE EXTREMITIES; DYSCHROMATOSIS SYMMETRICA HEREDITARIA 1. Identifiers: Orphanet 41, MedGen C0406775, MONDO:0007483, OMIM 127400.
Aicardi-Goutieres syndrome 6 (AGS6). Identifiers: Orphanet 51, MedGen C3539013, MONDO:0014007, OMIM 615010.

Allele frequency attached by ClinVar (database versions not stated): gnomAD exomes 0.00001.
gnomAD v4.1: 4 of 1,614,162 alleles (0.00025%); highest among the groups gnomAD compares: South Asian, 0.0044%; no homozygotes.

Submission:

Labcorp Genetics (formerly Invitae), Labcorp
Classification: Uncertain significance for Aicardi-Goutieres syndrome 6; Symmetrical dyschromatosis of extremities. Last evaluated: 2023-12-19. Review status: criteria provided, single submitter. Criteria: Invitae Variant Classification Sherloc (09022015). Collection method: clinical testing. Allele origin: germline.
Comment: This sequence change replaces alanine, which is neutral and non-polar, with serine, which is neutral and polar, at codon 252 of the ADAR protein (p.Ala252Ser). This variant is present in population databases (no rsID available, gnomAD 0.003%). This variant has not been reported in the literature in individuals affected with ADAR-related conditions. ClinVar contains an entry for this variant (Variation ID: 1057984). Experimental studies and prediction algorithms are not available or were not evaluated, and the functional significance of this variant is currently unknown. In summary, the available evidence is currently insufficient to determine the role of this variant in disease. Therefore, it has been classified as a Variant of Uncertain Significance.

NM_001111.5(ADAR):c.754G>T (p.Ala252Ser)

Gene: ADAR (adenosine deaminase RNA specific; minus strand). Cytogenetic location: 1q21.3.
Variant type: single nucleotide variant.
Coding change: c.754G>T on transcript NM_001111.5 (MANE Select); coding-DNA position 754, G replaced by T.
Protein change: p.Ala252Ser; replaces alanine 252 with serine.
Molecular consequence: missense variant. On other transcripts: 5 prime UTR variant (6).
Genome position (GRCh38, 1-based): chr1:154,601,888, C>A on the plus strand (G>T on the coding strand, the complement: ADAR is on the minus strand). VCF-style: chr1-154601888-C-A. GRCh37 (hg19) VCF-style: chr1-154574364-C-A.
Other names: c.-132G>T (NM_001025107.3, NM_001193495.2, NM_001365046.1 and 3 more transcripts); c.781G>T, p.Ala261Ser (NM_001365045.1); c.754G>T, p.Ala252Ser (NM_015840.4, NM_015841.4); short protein forms A252S, A261S.
Identifiers: ClinVar variation 1057984 (VCV001057984.9), dbSNP rs1354088100, ClinGen allele CA342600147.